The following is an entry in ClinVar:

NM_000051.4(ATM):c.2520T>C (p.Asp840=)

Gene: ATM (ATM serine/threonine kinase; plus strand). Cytogenetic location: 11q22.3.
Variant type: single nucleotide variant.
Coding change: c.2520T>C on transcript NM_000051.4 (MANE Select); coding-DNA position 2520, T replaced by C.
Protein change: p.Asp840=; no amino-acid change (aspartic acid 840 retained).
Molecular consequence: synonymous variant.
Genome position (GRCh38, 1-based): chr11:108,267,224, T>C. VCF-style: chr11-108267224-T-C. GRCh37 (hg19) VCF-style: chr11-108137951-T-C.
Other names: c.2520T>C (NM_000051.3); c.2520T>C, p.Asp840= (NM_001351834.2).
Identifiers: ClinVar variation 1151334 (VCV001151334.11), dbSNP rs1591587498, ClinGen allele CA476673549.

ClinVar aggregate classification (germline): Benign/Likely benign. Review status: criteria provided, multiple submitters, no conflicts (2 of 4 stars). 3 submissions from 3 submitters: Benign (1); Likely benign (2). Last evaluated 2025-10-15.

Conditions:
Familial cancer of breast. Also called: BREAST CANCER, FAMILIAL; Hereditary breast cancer; hereditary breast carcinoma. Identifiers: Orphanet 227535, MedGen C0346153, MONDO:0016419, OMIM 114480. Disease mechanism: loss of function.
Hereditary cancer-predisposing syndrome. Also called: Hereditary Cancer Syndrome; Hereditary neoplastic syndrome; Neoplastic Syndromes, Hereditary; Tumor predisposition. Identifiers: Orphanet 140162, MedGen C0027672, MeSH D009386, MONDO:0015356.
Ataxia-telangiectasia syndrome (AT). Also called: Ataxia-telangiectasia; Cerebello-oculocutaneous telangiectasia; Immunodeficiency with ataxia telangiectasia; Ataxia-telangiectasia, complementation group D; AT, COMPLEMENTATION GROUP C; Ataxia telangiectasia (A-T). Identifiers: Orphanet 100, MedGen C0004135, MONDO:0008840, OMIM 208900.

Submissions (3):

Ambry Genetics
Classification: Likely benign for Hereditary cancer-predisposing syndrome. Last evaluated: 2025-10-15. Review status: criteria provided, single submitter. Criteria: Ambry Variant Classification Scheme 2023. Collection method: clinical testing. Allele origin: germline.

Labcorp Genetics (formerly Invitae), Labcorp
Classification: Likely benign for Ataxia-telangiectasia syndrome. Last evaluated: 2025-06-09. Review status: criteria provided, single submitter. Criteria: Invitae Variant Classification Sherloc (09022015). Collection method: clinical testing. Allele origin: germline.

Myriad Genetics, Inc.
Classification: Benign for Familial cancer of breast. Last evaluated: 2024-05-09. Review status: criteria provided, single submitter. Criteria: Myriad Autosomal Dominant, Autosomal Recessive and X-Linked Classification Criteria (2023). Collection method: clinical testing. Allele origin: unknown.
Comment: This variant is considered benign. This variant is a silent/synonymous amino acid change and it is not expected to impact splicing.